The following is an entry in ClinVar:

NM_000094.4(COL7A1):c.4568del (p.Pro1523fs)

Gene: COL7A1 (collagen type VII alpha 1 chain; minus strand). Cytogenetic location: 3p21.31.
Variant type: Deletion.
Coding change: c.4568del on transcript NM_000094.4 (MANE Select); coding-DNA position 4568, one base deleted (C; older notation c.4568delC).
Protein change: p.Pro1523fs; shifts the reading frame from proline 1523.
Molecular consequence: frameshift variant.
Genome position (GRCh38, 1-based): chr3:48,582,509, G deleted on the plus strand (C on the coding strand, the reverse complement: COL7A1 is on the minus strand); the first of 2 consecutive G bases (chr3:48,582,509-48,582,510); deleting either gives the same sequence. VCF-style (leftmost placement, unchanged base first): chr3-48582508-TG-T. GRCh37 (hg19) VCF-style: chr3-48619941-TG-T.
Other names: c.4568del (NM_000094.3); c.4568delC (NM_000094.3); short protein forms P1523fs.
Identifiers: ClinVar variation 372334 (VCV000372334.13), dbSNP rs778165989, ClinGen allele CA2379948.

ClinVar aggregate classification (germline): Pathogenic/Likely pathogenic. Review status: criteria provided, multiple submitters, no conflicts (2 of 4 stars). 7 submissions from 7 submitters: Pathogenic (5); Likely pathogenic (2). Last evaluated 2026-07-17.

Conditions:
Recessive dystrophic epidermolysis bullosa (RDEB). Also called: Hallopeau-Siemens Disease; Recessive DEB (RDEB); epidermolysis bullosa dystrophica, autosomal recessive; Epidermolysis Bullosa Distrophica Autosomal Recessive (RDEB); EPIDERMOLYSIS BULLOSA DYSTROPHICA, GENERALIZED SEVERE, AUTOSOMAL RECESSIVE; DYSTROPHIC EPIDERMOLYSIS BULLOSA, AUTOSOMAL RECESSIVE. Identifiers: Orphanet 79408, Orphanet 79409, MedGen C0079474, MONDO:0009179, OMIM 226600.
Generalized dominant dystrophic epidermolysis bullosa (DDEB). Also called: Dominant DEB (DDEB); DDEB, generalized; DDEB-gen; DYSTROPHIC EPIDERMOLYSIS BULLOSA, AUTOSOMAL DOMINANT; Epidermolysis bullosa dystrophica, autosomal dominant. Identifiers: Orphanet 231568, MedGen C0432322, MONDO:0007549, OMIM 131750.
Transient bullous dermolysis of the newborn (TBDN). Also called: EPIDERMOLYSIS BULLOSA DYSTROPHICA, NEONATAL FORM; DYSTROPHIC EPIDERMOLYSIS BULLOSA, NEONATAL. Identifiers: Orphanet 79411, MedGen C1851573, MONDO:0007548, OMIM 131705.
Nonsyndromic congenital nail disorder 8. Also called: TOENAIL DYSTROPHY, ISOLATED. Identifiers: MedGen C1843761, MONDO:0011852, OMIM 607523.
Epidermolysis bullosa pruriginosa. Also called: DEB, PRURIGINOSA; DYSTROPHIC EPIDERMOLYSIS BULLOSA PRURIGINOSA. Identifiers: Orphanet 89843, MedGen C1275114, MONDO:0011398, OMIM 604129.
Pretibial dystrophic epidermolysis bullosa. Also called: Pretibial epidermolysis bullosa; EPIDERMOLYSIS BULLOSA DYSTROPHICA, PRETIBIAL; Pretibial blistering. Identifiers: Orphanet 79410, MedGen C0432321, MONDO:0007552, OMIM 131850, HP:0012221.
Dominant dystrophic epidermolysis bullosa with absence of skin. Also called: EPIDERMOLYSIS BULLOSA WITH CONGENITAL LOCALIZED ABSENCE OF SKIN AND DEFORMITY OF NAILS; EPIDERMOLYSIS BULLOSA DYSTROPHICA, BART TYPE. Identifiers: MedGen C0268371, MONDO:0007557, OMIM 132000.
COL7A1-related disorder. Also called: COL7A1- related disorders; COL7A1-related condition.
Epidermolysis bullosa dystrophica. Also called: Dystrophic epidermolysis bullosa; Dystrophic epidermolysis bullosa, Hallopeau-Siemens type (formerly). Identifiers: Orphanet 303, MedGen C0079294, MONDO:0006543.

Submissions (7):

PreventionGenetics, part of Exact Sciences
Classification: Likely pathogenic for COL7A1-related condition. Last evaluated: 2026-07-17. Review status: criteria provided, single submitter. Criteria: ACMG Guidelines, 2015. Collection method: clinical testing. Allele origin: germline.
Comment: The COL7A1 c.4568delC variant is predicted to result in a frameshift and premature protein termination (p.Pro1523Hisfs*187). This variant was reported in an individual with epidermolysis bullosa dystrophica (Woodley et al. 2014. PubMed ID: 24213372). This variant is reported in 0.068% of alleles in individuals of Ashkenazi Jewish descent in gnomAD. Frameshift variants in COL7A1 are expected to be pathogenic. This variant is interpreted as likely pathogenic for autosomal recessive COL7A1-related disorders.

Labcorp Genetics (formerly Invitae), Labcorp
Classification: Pathogenic. Last evaluated: 2025-12-30. Review status: criteria provided, single submitter. Criteria: Invitae Variant Classification Sherloc (09022015). Collection method: clinical testing. Allele origin: germline.
Comment: This sequence change creates a premature translational stop signal (p.Pro1523Hisfs*187) in the COL7A1 gene. It is expected to result in an absent or disrupted protein product. Loss-of-function variants in COL7A1 are known to be pathogenic (PMID: 16971478). This variant is present in population databases (rs778165989, gnomAD 0.07%). This premature translational stop signal has been observed in individual(s) with autosomal recessive dystrophic epidermolysis bullosa (PMID: 24213372). ClinVar contains an entry for this variant (Variation ID: 372334). For these reasons, this variant has been classified as Pathogenic.

Myriad Genetics, Inc.
Classification: Pathogenic for Recessive dystrophic epidermolysis bullosa. Last evaluated: 2025-12-02. Review status: criteria provided, single submitter. Criteria: Myriad Autosomal Dominant, Autosomal Recessive and X-Linked Classification Criteria (2023). Collection method: clinical testing. Allele origin: unknown.
Comment: NM_000094.3(COL7A1):c.4568delC(P1523Hfs*187) is a frameshift variant classified as pathogenic in the context of dystrophic epidermolysis bullosa. P1523Hfs*187 has been observed in cases with relevant disease (PMID: 30924923, 24213372). Relevant functional assessments of this variant are not available in the literature. P1523Hfs*187 has been observed in referenced population frequency databases. In summary, NM_000094.3(COL7A1):c.4568delC(P1523Hfs*187) is a frameshift variant in a gene where loss of function is a known mechanism of disease, is predicted to disrupt protein function, and has been observed more frequently in cases with the relevant disease than in healthy populations. Please note: this variant was assessed in the context of healthy population screening.

Natera, Inc.
Classification: Likely pathogenic for Dystrophic epidermolysis bullosa. Last evaluated: 2025-03-03. Review status: criteria provided, single submitter. Criteria: Natera Variant Classification Schema (03/2026). Collection method: clinical testing. Allele origin: germline.
Comment: The c.4568delC variant in COL7A1 is a frameshift variant predicted to shift the reading frame beginning at codon 1523 and leads to a stop codon 187 codons downstream. This variant is expected to result in nonsense mediated decay, truncation, or a dysfunctional protein product. The frequency of this variant in the general population is greater than expected for disorder. This variant has been observed in one or more individuals affected with the associated recessive disease, as either homozygous or compound heterozygous with a second variant (PMID: 24213372). Given the available evidence, this variant is classified as Likely Pathogenic.

Fulgent Genetics
Classification: Pathogenic for Transient bullous dermolysis of the newborn; Generalized dominant dystrophic epidermolysis bullosa; Pretibial dystrophic epidermolysis bullosa; Dominant dystrophic epidermolysis bullosa with absence of skin; Recessive dystrophic epidermolysis bullosa; Epidermolysis bullosa pruriginosa; Nonsyndromic congenital nail disorder 8. Last evaluated: 2024-05-09. Review status: criteria provided, single submitter. Criteria: ACMG Guidelines, 2015. Collection method: clinical testing. Allele origin: germline.

GeneDx
Classification: Pathogenic. Last evaluated: 2024-04-04. Review status: criteria provided, single submitter. Criteria: GeneDx Variant Classification Process June 2021. Collection method: clinical testing. Allele origin: germline. Affected: yes.
Comment: Frameshift variant predicted to result in protein truncation or nonsense mediated decay in a gene for which loss of function is a known mechanism of disease; This variant is associated with the following publications: (PMID: 30924923, 24213372)

Revvity Omics, Revvity
Classification: Pathogenic. Last evaluated: 2024-03-28. Review status: criteria provided, single submitter. Criteria: ACMG Guidelines, 2015. Collection method: clinical testing. Allele origin: germline.

Literature cited by the submitters: PubMed 16971478 (cited by Labcorp Genetics (formerly Invitae), Labcorp); PubMed 24213372 (cited by 3 submitters); PubMed 30924923 (cited by Myriad Genetics, Inc.).